The following is an entry in ClinVar:

ClinVar aggregate classification (germline): Uncertain significance (1 of 4 stars; one submission).

Submission:

Labcorp Genetics (formerly Invitae), Labcorp
Classification: Uncertain significance. Last evaluated: 2022-09-02. Review status: criteria provided, single submitter. Criteria: Invitae Variant Classification Sherloc (09022015). Collection method: clinical testing. Allele origin: germline.
Comment: This sequence change replaces methionine, which is neutral and non-polar, with leucine, which is neutral and non-polar, at codon 1038 of the MTOR protein (p.Met1038Leu). In summary, the available evidence is currently insufficient to determine the role of this variant in disease. Therefore, it has been classified as a Variant of Uncertain Significance. Advanced modeling of protein sequence and biophysical properties (such as structural, functional, and spatial information, amino acid conservation, physicochemical variation, residue mobility, and thermodynamic stability) performed at Invitae indicates that this missense variant is not expected to disrupt MTOR protein function. ClinVar contains an entry for this variant (Variation ID: 1014056). This variant has not been reported in the literature in individuals affected with MTOR-related conditions. This variant is not present in population databases (gnomAD no frequency).

NM_004958.4(MTOR):c.3112A>T (p.Met1038Leu)

Gene: MTOR (mechanistic target of rapamycin kinase; minus strand). Cytogenetic location: 1p36.22.
Variant type: single nucleotide variant.
Coding change: c.3112A>T on transcript NM_004958.4 (MANE Select); coding-DNA position 3112, A replaced by T.
Protein change: p.Met1038Leu; replaces methionine 1038 with leucine.
Molecular consequence: missense variant.
Genome position (GRCh38, 1-based): chr1:11,216,153, T>A on the plus strand (A>T on the coding strand, the complement: MTOR is on the minus strand). VCF-style: chr1-11216153-T-A. GRCh37 (hg19) VCF-style: chr1-11276210-T-A.
Other names: short protein forms M1038L.
Identifiers: ClinVar variation 1014056 (VCV001014056.8), dbSNP rs1646462615, ClinGen allele CA338376450.